The following is an entry in ClinVar:

NM_198252.3(GSN):c.232G>A (p.Ala78Thr)

Gene: GSN (gelsolin; plus strand). Cytogenetic location: 9q33.2.
Variant type: single nucleotide variant.
Coding change: c.232G>A on transcript NM_198252.3 (MANE Select); coding-DNA position 232, G replaced by A.
Protein change: p.Ala78Thr; replaces alanine 78 with threonine.
Molecular consequence: missense variant. On other transcripts: 5 prime UTR variant (1).
Genome position (GRCh38, 1-based): chr9:121,302,946, G>A. VCF-style: chr9-121302946-G-A. GRCh37 (hg19) VCF-style: chr9-124065224-G-A.
Other names: c.385G>A, p.Ala129Thr (NM_000177.5); c.232G>A, p.Ala78Thr (NM_001127662.2, NM_001127664.2, NM_001127665.2 and 10 more transcripts); c.340G>A, p.Ala114Thr (NM_001127663.2); c.265G>A, p.Ala89Thr (NM_001127666.2, NM_001127667.2, NM_001353063.2 and 13 more transcripts); c.283G>A, p.Ala95Thr (NM_001258029.2); c.256G>A, p.Ala86Thr (NM_001258030.2); c.304G>A, p.Ala102Thr (NM_001353076.2); c.-423G>A (NM_001353078.2); short protein forms A129T, A89T, A114T, A86T, A102T, A78T, A95T.
Identifiers: ClinVar variation 364800 (VCV000364800.15), dbSNP rs2230287, ClinGen allele CA5220812.

ClinVar aggregate classification (germline): Benign. Review status: criteria provided, multiple submitters, no conflicts (2 of 4 stars). 5 submissions from 5 submitters: Benign (5). Last evaluated 2026-02-04.

Conditions:
Finnish type amyloidosis. Also called: AMYLOID CRANIAL NEUROPATHY WITH LATTICE CORNEAL DYSTROPHY; AMYLOIDOSIS DUE TO MUTANT GELSOLIN; Lattice corneal dystrophy associated with familial systemic amyloidosis; Meretoja's syndrome; Lattice dystrophy of the cornea with hereditary generalized amyloidosis; Amyloidosis, familial, Finnish type. Identifiers: Orphanet 85448, MedGen C1622345, MONDO:0007097, OMIM 105120.

Allele frequency attached by ClinVar (database versions not stated): ESP Exome Variant Server 0.01476; gnomAD exomes 0.02423 and 0.06338; gnomAD 0.03231 and 0.03609; TOPMed 0.04567; ExAC 0.05772; 1000 Genomes Project 30x 0.08292; 1000 Genomes Project 0.08327.
gnomAD v4.1: 41,154 of 1,613,826 alleles (2.6%); highest among the groups gnomAD compares: Admixed American, 20%; 2,438 homozygotes.

Submissions (5):

Labcorp Genetics (formerly Invitae), Labcorp
Classification: Benign. Last evaluated: 2026-02-04. Review status: criteria provided, single submitter. Criteria: Invitae Variant Classification Sherloc (09022015). Collection method: clinical testing. Allele origin: germline.

Mayo Clinic Laboratories, Mayo Clinic
Classification: Benign. Last evaluated: 2023-04-03. Review status: criteria provided, single submitter. Criteria: ACMG Guidelines, 2015. Collection method: clinical testing. Allele origin: germline. Observed: 54 variant alleles.

GeneDx
Classification: Benign. Last evaluated: 2021-05-04. Review status: criteria provided, single submitter. Criteria: GeneDx Variant Classification Process June 2021. Collection method: clinical testing. Allele origin: germline. Affected: yes.

Illumina Laboratory Services, Illumina
Classification: Benign for Finnish type amyloidosis. Last evaluated: 2018-01-13. Review status: criteria provided, single submitter. Criteria: ICSL Variant Classification Criteria 13 December 2019. Collection method: clinical testing. Allele origin: germline.
Comment: This variant was observed in the ICSL laboratory as part of a predisposition screen in an ostensibly healthy population. It had not been previously curated by ICSL or reported in the Human Gene Mutation Database (HGMD: prior to June 1st, 2018), and was therefore a candidate for classification through an automated scoring system. Utilizing variant allele frequency, disease prevalence and penetrance estimates, and inheritance mode, an automated score was calculated to assess if this variant is too frequent to cause the disease. Based on the score and internal cut-off values, a variant classified as benign is not then subjected to further curation. The score for this variant resulted in a classification of benign for this disease.

Breakthrough Genomics
Classification: Benign. Review status: criteria provided, single submitter. Criteria: ACMG Guidelines, 2015. Collection method: not provided. Allele origin: germline. Inheritance: Autosomal dominant inheritance. Affected: yes.